The following is an entry in ClinVar:

ClinVar aggregate classification (germline): Uncertain significance. Review status: criteria provided, multiple submitters, no conflicts (2 of 4 stars). 2 submissions from 2 submitters: Uncertain significance (2). Last evaluated 2024-09-27.

Conditions:
Arrhythmogenic right ventricular cardiomyopathy (ARVD). Also called: Cardiomyopathy, ARVC; Arrhythmogenic right ventricular dysplasia; Arrhythmogenic cardiomyopathy; Arrhythmogenic Right Ventricular Cardiomyopathy (ARVC). Identifiers: Orphanet 247, MedGen C0349788, MeSH D019571, MONDO:0016587. Disease mechanism: loss of function. Inheritance: Various modes of inheritance.

Allele frequency attached by ClinVar (database versions not stated): gnomAD exomes 0.00003 and 0.00010; ExAC 0.00004; gnomAD 0.00006 and 0.00007; TOPMed 0.00006.

Submissions (2):

All of Us Research Program, National Institutes of Health
Classification: Uncertain significance for Arrhythmogenic right ventricular cardiomyopathy. Last evaluated: 2024-09-27. Review status: criteria provided, single submitter. Criteria: ACMG Guidelines, 2015. Collection method: clinical testing. Allele origin: germline. Inheritance: Autosomal dominant inheritance. Observed: 6 variant alleles, 6 heterozygotes.
Comment: This study involves interpretation of variants in research participants for the purpose of population health screening. Participant phenotype was not available at the time of variant classification. Additional details can be found in publication PMID: 35346344, PMCID: PMC8962531

Molecular Genetics Laboratory - Cardiogenetics, CHU de Nantes
Classification: Uncertain significance for Arrhythmogenic right ventricular cardiomyopathy. Last evaluated: 2022-06-01. Review status: criteria provided, single submitter. Criteria: ACMG Guidelines, 2015. Collection method: curation. Allele origin: germline. Affected: yes.

NM_001005242.3(PKP2):c.968_969del (p.Gln323fs)

Gene: PKP2 (plakophilin 2; minus strand). Cytogenetic location: 12p11.21.
Variant type: Deletion.
Coding change: c.968_969del on transcript NM_001005242.3 (MANE Select); coding-DNA positions 968 to 969, 2 bases deleted (AG; older notation c.968_969delAG).
Protein change: p.Gln323fs; shifts the reading frame from glutamine 323.
Molecular consequence: frameshift variant.
Genome position (GRCh38, 1-based): chr12:32,877,911-32,877,912, CT deleted on the plus strand (AG on the coding strand, the reverse complement: PKP2 is on the minus strand). VCF-style (leftmost placement, unchanged base first): chr12-32877910-CCT-C. GRCh37 (hg19) VCF-style: chr12-33030844-CCT-C.
Other names: c.968_969del, p.Gln323fs (NM_004572.4); short protein forms Q323fs.
Identifiers: ClinVar variation 1693192 (VCV001693192.2), dbSNP rs745882420, ClinGen allele CA039655.